The following is an entry in ClinVar:

ClinVar aggregate classification (germline): Uncertain significance (1 of 4 stars; one submission).

Submission:

GeneDx
Classification: Uncertain significance. Last evaluated: 2024-03-26. Review status: criteria provided, single submitter. Criteria: GeneDx Variant Classification Process June 2021. Collection method: clinical testing. Allele origin: germline. Affected: yes.
Comment: Not observed at significant frequency in large population cohorts (gnomAD); In silico analysis supports that this missense variant has a deleterious effect on protein structure/function; Has not been previously published as pathogenic or benign to our knowledge

NM_001375524.1(TRRAP):c.11020C>G (p.Pro3674Ala)

Gene: TRRAP (transformation/transcription domain associated protein; plus strand). Cytogenetic location: 7q22.1.
Variant type: single nucleotide variant.
Coding change: c.11020C>G on transcript NM_001375524.1 (MANE Select); coding-DNA position 11020, C replaced by G.
Protein change: p.Pro3674Ala; replaces proline 3674 with alanine.
Molecular consequence: missense variant.
Genome position (GRCh38, 1-based): chr7:99,011,133, C>G. VCF-style: chr7-99011133-C-G. GRCh37 (hg19) VCF-style: chr7-98608756-C-G.
Other names: c.10978C>G, p.Pro3660Ala (NM_001244580.2); c.10891C>G, p.Pro3631Ala (NM_003496.4); short protein forms P3631A, P3660A, P3674A.
Identifiers: ClinVar variation 3371453 (VCV003371453.1).